The following is an entry in ClinVar:

ClinVar aggregate classification (germline): Uncertain significance (1 of 4 stars; one submission).

Conditions:
Long QT syndrome (LQTS). Identifiers: MedGen C0023976, MeSH D008133, MONDO:0002442. Disease mechanism: loss of function. Inheritance: Various modes of inheritance.

Allele frequency attached by ClinVar (database versions not stated): gnomAD exomes below 0.00001; ExAC 0.00001.
gnomAD v4.1: 1 of 1,614,100 alleles (0.000062%); highest among the groups gnomAD compares: Non-Finnish European, 0.000085%; no homozygotes.

Submission:

Labcorp Genetics (formerly Invitae), Labcorp
Classification: Uncertain significance for Long QT syndrome. Last evaluated: 2018-10-11. Review status: criteria provided, single submitter. Criteria: Invitae Variant Classification Sherloc (09022015). Collection method: clinical testing. Allele origin: germline.
Comment: The frequency data for this variant in the population databases is considered unreliable, as metrics indicate poor data quality at this position in the ExAC database. This variant has not been reported in the literature in individuals with ANK2-related disease. Algorithms developed to predict the effect of missense changes on protein structure and function are either unavailable or do not agree on the potential impact of this missense change (SIFT: "Deleterious"; PolyPhen-2: "Possibly Damaging"; Align-GVGD: "Class C0"). In summary, the available evidence is currently insufficient to determine the role of this variant in disease. Therefore, it has been classified as a Variant of Uncertain Significance. This sequence change replaces serine with arginine at codon 2698 of the ANK2 protein (p.Ser2698Arg). The serine residue is moderately conserved and there is a moderate physicochemical difference between serine and arginine.

NM_001148.6(ANK2):c.8094C>G (p.Ser2698Arg)

Gene: ANK2 (ankyrin 2; plus strand). Cytogenetic location: 4q26.
Variant type: single nucleotide variant.
Coding change: c.8094C>G on transcript NM_001148.6 (MANE Select); coding-DNA position 8094, C replaced by G.
Protein change: p.Ser2698Arg; replaces serine 2698 with arginine.
Molecular consequence: missense variant. On other transcripts: intron variant (68).
Genome position (GRCh38, 1-based): chr4:113,356,712, C>G. VCF-style: chr4-113356712-C-G. GRCh37 (hg19) VCF-style: chr4-114277868-C-G.
Other names: c.4208-4111C>G (NM_001386150.1, NM_001386149.1, NM_001386153.1 and 1 more transcripts); c.4193-4111C>G (NM_001354274.2, NM_001386154.1); c.4142-4111C>G (NM_001386151.1, NM_001354260.2, NM_001354271.2); c.4043-4111C>G (NM_001386157.1, NM_001354277.2); c.4361-4111C>G (NM_001386161.1, NM_001354244.2, NM_001354256.2); c.4286-4111C>G (NM_001354261.2); c.4166-4111C>G (NM_001386156.1, NM_001354257.2); c.4262-4111C>G (NM_001354264.2); and 35 more; short protein forms S2698R, S1498R, S2620R, S2737R, S2745R.
Identifiers: ClinVar variation 662900 (VCV000662900.5), dbSNP rs768800173, ClinGen allele CA3051710.